The following is an entry in ClinVar:

ClinVar aggregate classification (germline): Uncertain significance (1 of 4 stars; one submission).

gnomAD v4.1: 2 of 1,613,302 alleles (0.00012%); highest among the groups gnomAD compares: Admixed American, 0.0017%; no homozygotes.

Submission:

GeneDx
Classification: Uncertain significance. Last evaluated: 2026-01-29. Review status: criteria provided, single submitter. Criteria: GeneDx Variant Classification Process June 2021. Collection method: clinical testing. Allele origin: germline.
Comment: Not observed at significant frequency in large population cohorts (gnomAD); In silico analysis suggests that this missense variant does not alter protein structure/function; Has not been previously published as pathogenic or benign to our knowledge

NM_130837.3(OPA1):c.1726G>A (p.Glu576Lys)

Gene: OPA1 (OPA1 mitochondrial dynamin like GTPase; plus strand). Cytogenetic location: 3q29.
Variant type: single nucleotide variant.
Coding change: c.1726G>A on transcript NM_130837.3 (MANE Select); coding-DNA position 1726, G replaced by A.
Protein change: p.Glu576Lys; replaces glutamic acid 576 with lysine.
Molecular consequence: missense variant.
Genome position (GRCh38, 1-based): chr3:193,645,772, G>A. VCF-style: chr3-193645772-G-A. GRCh37 (hg19) VCF-style: chr3-193363561-G-A.
Other names: c.1192G>A, p.Glu398Lys (NM_001354663.2); c.1189G>A, p.Glu397Lys (NM_001354664.2); c.1561G>A, p.Glu521Lys (NM_015560.3); c.1453G>A, p.Glu485Lys (NM_130831.3); c.1507G>A, p.Glu503Lys (NM_130832.3); c.1564G>A, p.Glu522Lys (NM_130833.3); c.1615G>A, p.Glu539Lys (NM_130834.3); c.1618G>A, p.Glu540Lys (NM_130835.3); and 1 more; short protein forms E397K, E398K, E485K, E503K, E521K, E522K, E539K, E540K.
Identifiers: ClinVar variation 4975587 (VCV004975587.1).
Genomic context (GRCh38, chr3:193,645,772, plus strand): 5'-CATCATTCTTCCCCAGGGAACAGCTCTGAAAGCATTGAAGCTATAAGAGAATATGAAGAA[G>A]AGTTTTTTCAGAATTCAAAGCTCCTAAAGTAGGTATCTTGTTAAAACATTTAAACATTTT-3'
Protein context (NP_570850.2, residues 566-586): SIEAIREYEE[Glu576Lys]FFQNSKLLKT